The following is an entry in ClinVar:

ClinVar aggregate classification (germline): Pathogenic (1 of 4 stars; one submission).

Conditions:
Branchiooculofacial syndrome (BOFS). Also called: Branchio-Oculo-Facial Syndrome; BOF SYNDROME; HEMANGIOMATOUS BRANCHIAL CLEFTS-LIP PSEUDOCLEFT SYNDROME; LIP PSEUDOCLEFT-HEMANGIOMATOUS BRANCHIAL CYST SYNDROME. Identifiers: Orphanet 1297, MedGen C0376524, MeSH D019280, MONDO:0007235, OMIM 113620.

Submission:

Imagene.me medical diagnostic laboratory, IMAGENE.ME SA
Classification: Pathogenic for Branchiooculofacial syndrome. Review status: criteria provided, single submitter. Criteria: IMAGENE.ME Variant Classification SOP 2022. Collection method: clinical testing. Allele origin: de novo. Affected: yes.
Comment: Classified according to the IMAGENE.ME variant classification SOP based on the ACMG guidelines as Pathogenic (P): PS2 + PM1+ PM2 + PP3 + PP4_Moderate

NM_003220.2:c.740C>T

Gene: TFAP2A (transcription factor AP-2 alpha; minus strand).
Variant type: single nucleotide variant.
Identifiers: ClinVar variation 4685488 (VCV004685488.1).